The following is an entry in ClinVar:

NM_004990.4(MARS1):c.280-18A>G

Gene: MARS1 (methionyl-tRNA synthetase 1; plus strand). Cytogenetic location: 12q13.3.
Variant type: single nucleotide variant.
Coding change: c.280-18A>G on transcript NM_004990.4 (MANE Select); 18 bases into the intron before coding-DNA position 280, A replaced by G.
Molecular consequence: intron variant.
Genome position (GRCh38, 1-based): chr12:57,489,406, A>G. VCF-style: chr12-57489406-A-G. GRCh37 (hg19) VCF-style: chr12-57883189-A-G.
Identifiers: ClinVar variation 514776 (VCV000514776.10), dbSNP rs141020578, ClinGen allele CA6650126.

ClinVar aggregate classification (germline): Benign/Likely benign. Review status: criteria provided, multiple submitters, no conflicts (2 of 4 stars). 3 submissions from 3 submitters: Benign (1); Likely benign (2). Last evaluated 2025-11-23.

Conditions:
Severe early-onset pulmonary alveolar proteinosis due to MARS deficiency. Also called: PULMONARY ALVEOLAR PROTEINOSIS, REUNION ISLAND; Interstitial lung and liver disease. Identifiers: Orphanet 440427, MedGen C4225400, MONDO:0014206, OMIM 615486.
Charcot-Marie-Tooth disease axonal type 2U. Also called: CHARCOT-MARIE-TOOTH NEUROPATHY, TYPE 2U; CHARCOT-MARIE-TOOTH DISEASE, AXONAL, AUTOSOMAL DOMINANT, TYPE 2U. Identifiers: Orphanet 397735, MedGen C4084821, MONDO:0014566, OMIM 616280.

Allele frequency attached by ClinVar (database versions not stated): gnomAD exomes 0.00009 and 0.00021; ExAC 0.00030; ESP Exome Variant Server 0.00046; gnomAD 0.00068 and 0.00072; TOPMed 0.00079; 1000 Genomes Project 30x 0.00172; 1000 Genomes Project 0.00220.
gnomAD v4.1: 254 of 1,614,144 alleles (0.016%); highest among the groups gnomAD compares: African/African-American, 0.27%; no homozygotes.

Submissions (3):

Labcorp Genetics (formerly Invitae), Labcorp
Classification: Benign for Charcot-Marie-Tooth disease axonal type 2U; Severe early-onset pulmonary alveolar proteinosis due to MARS deficiency. Last evaluated: 2025-11-23. Review status: criteria provided, single submitter. Criteria: Invitae Variant Classification Sherloc (09022015). Collection method: clinical testing. Allele origin: germline.

Blueprint Genetics
Classification: Likely benign. Last evaluated: 2023-10-06. Review status: criteria provided, single submitter. Criteria: ACMG Guidelines, 2015. Collection method: clinical testing. Allele origin: germline.

GeneDx
Classification: Likely benign. Last evaluated: 2018-01-08. Review status: criteria provided, single submitter. Criteria: GeneDx Variant Classification (06012015). Collection method: clinical testing. Allele origin: germline. Affected: yes.
Comment: This variant is considered likely benign or benign based on one or more of the following criteria: it is a conservative change, it occurs at a poorly conserved position in the protein, it is predicted to be benign by multiple in silico algorithms, and/or has population frequency not consistent with disease.